The following is an entry in ClinVar:

NM_001122955.4(BSCL2):c.660C>T (p.Leu220=)

Genes: HNRNPUL2-BSCL2 (HNRNPUL2-BSCL2 readthrough (NMD candidate); minus strand), BSCL2 (BSCL2 lipid droplet biogenesis associated, seipin; minus strand). Cytogenetic location: 11q12.3.
Variant type: single nucleotide variant.
Coding change: c.660C>T on transcript NM_001122955.4 (MANE Select); coding-DNA position 660, C replaced by T.
Protein change: p.Leu220=; no amino-acid change (leucine 220 retained).
Molecular consequence: synonymous variant. On other transcripts: non-coding transcript variant (1).
Genome position (GRCh38, 1-based): chr11:62,692,768, G>A on the plus strand (C>T on the coding strand, the complement: BSCL2 is on the minus strand). VCF-style: chr11-62692768-G-A. GRCh37 (hg19) VCF-style: chr11-62460240-G-A.
Other names: c.468C>T, p.Leu156= (NM_001130702.2, NM_032667.6); c.660C>T, p.Leu220= (NM_001386027.1, NM_001386028.1).
Identifiers: ClinVar variation 387079 (VCV000387079.5), dbSNP rs950978890, ClinGen allele CA16606268.

ClinVar aggregate classification (germline): Likely benign. Review status: criteria provided, multiple submitters, no conflicts (2 of 4 stars). 3 submissions from 3 submitters: Likely benign (3). Last evaluated 2024-08-19.

Conditions:
Charcot-Marie-Tooth disease type 2. Also called: Charcot-Marie-Tooth type 2. Identifiers: Orphanet 64746, MedGen C0270914, MONDO:0018993.
Inborn genetic diseases. Identifiers: MedGen C0950123, MeSH D030342.

Allele frequency attached by ClinVar (database versions not stated): gnomAD 0.00001; TOPMed 0.00001.
gnomAD v4.1: 1 of 1,613,744 alleles (0.000062%); highest among the groups gnomAD compares: Non-Finnish European, 0.000085%; no homozygotes.

Submissions (3):

Labcorp Genetics (formerly Invitae), Labcorp
Classification: Likely benign for Charcot-Marie-Tooth disease type 2. Last evaluated: 2024-08-19. Review status: criteria provided, single submitter. Criteria: Invitae Variant Classification Sherloc (09022015). Collection method: clinical testing. Allele origin: germline.

Ambry Genetics
Classification: Likely benign for Inborn genetic diseases. Last evaluated: 2019-07-11. Review status: criteria provided, single submitter. Criteria: Ambry Variant Classification Scheme 2023. Collection method: clinical testing. Allele origin: germline.

GeneDx
Classification: Likely benign. Last evaluated: 2016-06-24. Review status: criteria provided, single submitter. Criteria: GeneDx Variant Classification (06012015). Collection method: clinical testing. Allele origin: germline. Affected: yes.
Comment: This variant is considered likely benign or benign based on one or more of the following criteria: it is a conservative change, it occurs at a poorly conserved position in the protein, it is predicted to be benign by multiple in silico algorithms, and/or has population frequency not consistent with disease.